The following is an entry in ClinVar:

ClinVar aggregate classification (germline): Uncertain significance (1 of 4 stars; one submission).

Conditions:
Dextro-looped transposition of the great arteries. Also called: Dextrotransposition of the great arteries. Identifiers: Orphanet 860, MedGen C3531771, MONDO:0019443, OMIM 608808, HP:0031348.

gnomAD v4.1: 3 of 1,614,114 alleles (0.00019%); highest among the groups gnomAD compares: Non-Finnish European, 0.00017%; no homozygotes.

Submission:

Labcorp Genetics (formerly Invitae), Labcorp
Classification: Uncertain significance for Dextro-looped transposition of the great arteries. Last evaluated: 2024-03-22. Review status: criteria provided, single submitter. Criteria: Invitae Variant Classification Sherloc (09022015). Collection method: clinical testing. Allele origin: germline.
Comment: This sequence change replaces serine, which is neutral and polar, with cysteine, which is neutral and slightly polar, at codon 456 of the MED13L protein (p.Ser456Cys). This variant is not present in population databases (gnomAD no frequency). This missense change has been observed in individual(s) with autism (PMID: 30564305). This variant is also known as 12:116446851G>C. Advanced modeling of protein sequence and biophysical properties (such as structural, functional, and spatial information, amino acid conservation, physicochemical variation, residue mobility, and thermodynamic stability) performed at Invitae indicates that this missense variant is not expected to disrupt MED13L protein function with a negative predictive value of 80%. In summary, the available evidence is currently insufficient to determine the role of this variant in disease. Therefore, it has been classified as a Variant of Uncertain Significance.

Literature cited by the submitters: PubMed 30564305.

NM_015335.5(MED13L):c.1367C>G (p.Ser456Cys)

Gene: MED13L (mediator complex subunit 13L; minus strand). Cytogenetic location: 12q24.21.
Variant type: single nucleotide variant.
Coding change: c.1367C>G on transcript NM_015335.5 (MANE Select); coding-DNA position 1367, C replaced by G.
Protein change: p.Ser456Cys; replaces serine 456 with cysteine.
Molecular consequence: missense variant.
Genome position (GRCh38, 1-based): chr12:116,009,046, G>C on the plus strand (C>G on the coding strand, the complement: MED13L is on the minus strand). VCF-style: chr12-116009046-G-C. GRCh37 (hg19) VCF-style: chr12-116446851-G-C.
Other names: short protein forms S456C.
Identifiers: ClinVar variation 3669819 (VCV003669819.2).